The following is an entry in ClinVar:

ClinVar aggregate classification (germline): Conflicting classifications of pathogenicity. Review status: criteria provided, conflicting classifications (1 of 4 stars). 2 submissions from 2 submitters: Uncertain significance (1); Likely benign (1). Last evaluated 2024-08-01.

Conditions:
Inborn genetic diseases. Identifiers: MedGen C0950123, MeSH D030342.

Allele frequency attached by ClinVar (database versions not stated): gnomAD exomes 0.00007; gnomAD 0.00010; TOPMed 0.00013.
gnomAD v4.1: 117 of 1,551,154 alleles (0.0075%); highest among the groups gnomAD compares: Middle Eastern, 0.033%; no homozygotes.

Submissions (2):

CeGaT Center for Human Genetics Tuebingen
Classification: Uncertain significance. Last evaluated: 2024-08-01. Review status: criteria provided, single submitter. Criteria: CeGaT Center For Human Genetics Tuebingen Variant Classification Criteria Version 2. Collection method: clinical testing. Allele origin: germline. Affected: yes. Observed: 1 variant allele.
Comment: PATL2: PM2, BP4

Ambry Genetics
Classification: Likely benign for Inborn genetic diseases. Last evaluated: 2022-04-22. Review status: criteria provided, single submitter. Criteria: Ambry Variant Classification Scheme 2023. Collection method: clinical testing. Allele origin: germline.

NM_001387263.1(PATL2):c.710G>A (p.Arg237Gln)

Gene: PATL2 (PAT1 homolog 2; minus strand). Cytogenetic location: 15q21.1.
Variant type: single nucleotide variant.
Coding change: c.710G>A on transcript NM_001387263.1 (MANE Select); coding-DNA position 710, G replaced by A.
Protein change: p.Arg237Gln; replaces arginine 237 with glutamine.
Molecular consequence: missense variant.
Genome position (GRCh38, 1-based): chr15:44,670,035, C>T on the plus strand (G>A on the coding strand, the complement: PATL2 is on the minus strand). VCF-style: chr15-44670035-C-T. GRCh37 (hg19) VCF-style: chr15-44962233-C-T.
Other names: c.710G>A, p.Arg237Gln (NM_001145112.2, NM_001387261.1, NM_001387262.1); c.143G>A, p.Arg48Gln (NM_001330283.2); c.617G>A, p.Arg206Gln (NM_001387260.1, NM_001387264.1); short protein forms R237Q, R48Q, R206Q.
Identifiers: ClinVar variation 2349478 (VCV002349478.18), dbSNP rs951076370, ClinGen allele CA270095232.